The following is an entry in ClinVar:

ClinVar aggregate classification (germline): Likely benign (1 of 4 stars; one submission).

Conditions:
SETBP1-related disorder. Also called: SETBP1-related condition; SETBP1-related disorders.

Submission:

PreventionGenetics, part of Exact Sciences
Classification: Likely benign for SETBP1-related condition. Last evaluated: 2024-10-24. Review status: criteria provided, single submitter. Criteria: ACMG Guidelines, 2015. Collection method: clinical testing. Allele origin: germline.
Comment: This variant is classified as likely benign based on ACMG/AMP sequence variant interpretation guidelines (Richards et al. 2015 PMID: 25741868, with internal and published modifications).

NM_015559.3(SETBP1):c.432T>G (p.Ala144=)

Gene: SETBP1 (SET binding protein 1; plus strand). Cytogenetic location: 18q12.3.
Variant type: single nucleotide variant.
Coding change: c.432T>G on transcript NM_015559.3 (MANE Select); coding-DNA position 432, T replaced by G.
Protein change: p.Ala144=; no amino-acid change (alanine 144 retained).
Molecular consequence: synonymous variant.
Genome position (GRCh38, 1-based): chr18:44,701,778, T>G. VCF-style: chr18-44701778-T-G. GRCh37 (hg19) VCF-style: chr18-42281743-T-G.
Other names: c.432T>G, p.Ala144= (NM_001130110.2, NM_001379141.1, NM_001379142.1 and 1 more transcripts).
Identifiers: ClinVar variation 5002622 (VCV005002622.1).